The following is an entry in ClinVar:

NM_016122.3(CEP83):c.445A>G (p.Asn149Asp)

Gene: CEP83 (centrosomal protein 83; minus strand). Cytogenetic location: 12q22.
Variant type: single nucleotide variant.
Coding change: c.445A>G on transcript NM_016122.3 (MANE Select); coding-DNA position 445, A replaced by G.
Protein change: p.Asn149Asp; replaces asparagine 149 with aspartic acid.
Molecular consequence: missense variant. On other transcripts: non-coding transcript variant (3), intron variant (2).
Genome position (GRCh38, 1-based): chr12:94,400,954, T>C on the plus strand (A>G on the coding strand, the complement: CEP83 is on the minus strand). VCF-style: chr12-94400954-T-C. GRCh37 (hg19) VCF-style: chr12-94794730-T-C.
Other names: c.445A>G, p.Asn149Asp (NM_001042399.2, NM_001346457.2, NM_001346460.2 and 3 more transcripts); c.133A>G, p.Asn45Asp (NM_001346458.2, NM_001346459.2, NM_001346462.2 and 2 more transcripts); c.324+10743A>G (NM_001368041.1); c.12+10743A>G (NM_001368042.1); short protein forms N45D, N149D.
Identifiers: ClinVar variation 2167119 (VCV002167119.3), dbSNP rs1379306751, ClinGen allele CA386143179.
Genomic context (GRCh38, chr12:94,400,954, plus strand): 5'-ACTCTTCCTTCTGGTGTTCAAATTCTGACTTGAGAAATGTATGTTCATAGCGAAGCTTAT[T>C]ATATACAGCTCTATACTTTTCTACCTCCTAAAGGGAGAATGCATTTATCATAGATTTATA-3'
Protein context (NP_057206.2, residues 139-159): EEVEKYRAVY[Asn149Asp]KLRYEHTFLK

ClinVar aggregate classification (germline): Uncertain significance (1 of 4 stars; one submission).

Conditions:
Nephronophthisis 18 (NPHP18). Identifiers: Orphanet 655, MedGen C3890591, MONDO:0014374, OMIM 615862.

Allele frequency attached by ClinVar (database versions not stated): TOPMed 0.00001.

Submission:

Labcorp Genetics (formerly Invitae), Labcorp
Classification: Uncertain significance for Nephronophthisis 18. Last evaluated: 2024-08-13. Review status: criteria provided, single submitter. Criteria: Invitae Variant Classification Sherloc (09022015). Collection method: clinical testing. Allele origin: germline.
Comment: This sequence change replaces asparagine, which is neutral and polar, with aspartic acid, which is acidic and polar, at codon 149 of the CEP83 protein (p.Asn149Asp). This variant is not present in population databases (gnomAD no frequency). This variant has not been reported in the literature in individuals affected with CEP83-related conditions. ClinVar contains an entry for this variant (Variation ID: 2167119). Advanced modeling of protein sequence and biophysical properties (such as structural, functional, and spatial information, amino acid conservation, physicochemical variation, residue mobility, and thermodynamic stability) performed at Invitae indicates that this missense variant is expected to disrupt CEP83 protein function with a positive predictive value of 80%. In summary, the available evidence is currently insufficient to determine the role of this variant in disease. Therefore, it has been classified as a Variant of Uncertain Significance.